The following is an entry in ClinVar:

ClinVar aggregate classification (germline): Likely benign. Review status: criteria provided, multiple submitters, no conflicts (2 of 4 stars). 2 submissions from 2 submitters: Likely benign (2). Last evaluated 2026-06-01.

Allele frequency attached by ClinVar (database versions not stated): gnomAD 0.00003; ExAC 0.00007; ESP Exome Variant Server 0.00008; TOPMed 0.00009; gnomAD exomes 0.00015.
gnomAD v4.1: 214 of 1,613,852 alleles (0.013%); highest among the groups gnomAD compares: Non-Finnish European, 0.017%; no homozygotes.

Submissions (2):

CeGaT Center for Human Genetics Tuebingen
Classification: Likely benign. Last evaluated: 2026-06-01. Review status: criteria provided, single submitter. Criteria: CeGaT Center For Human Genetics Tuebingen Variant Classification Criteria Version 2. Collection method: clinical testing. Allele origin: germline. Affected: yes. Observed: 1 variant allele.
Comment: MYO18B: BP4, BP7

Labcorp Genetics (formerly Invitae), Labcorp
Classification: Likely benign. Last evaluated: 2025-06-12. Review status: criteria provided, single submitter. Criteria: Invitae Variant Classification Sherloc (09022015). Collection method: clinical testing. Allele origin: germline.

NM_032608.7(MYO18B):c.327C>T (p.Ser109=)

Gene: MYO18B (myosin XVIIIB; plus strand). Cytogenetic location: 22q12.1.
Variant type: single nucleotide variant.
Coding change: c.327C>T on transcript NM_032608.7 (MANE Select); coding-DNA position 327, C replaced by T.
Protein change: p.Ser109=; no amino-acid change (serine 109 retained).
Molecular consequence: synonymous variant.
Genome position (GRCh38, 1-based): chr22:25,768,243, C>T. VCF-style: chr22-25768243-C-T. GRCh37 (hg19) VCF-style: chr22-26164210-C-T.
Other names: c.327C>T, p.Ser109= (NM_001318245.2).
Identifiers: ClinVar variation 2176393 (VCV002176393.6), dbSNP rs367932319, ClinGen allele CA10159552.